The following is an entry in ClinVar:

ClinVar aggregate classification (germline): Conflicting classifications of pathogenicity. Review status: criteria provided, conflicting classifications (1 of 4 stars). 3 submissions from 3 submitters: Likely pathogenic (1); Uncertain significance (2). Last evaluated 2024-10-29.

Conditions:
ENG-related disorder. Also called: ENG-related disorders; ENG-related condition.
Hereditary hemorrhagic telangiectasia (HHT). Also called: ORW DISEASE; Osler Weber Rendu syndrome; OSLER-RENDU-WEBER DISEASE; Osler hemorrhagic telangiectasia syndrome. Identifiers: Orphanet 774, MedGen C0039445, MONDO:0019180. Disease mechanism: loss of function.
Cardiovascular phenotype. Identifiers: MedGen CN230736.

Allele frequency attached by ClinVar (database versions not stated): gnomAD 0.00001; TOPMed 0.00001.
gnomAD v4.1: 14 of 1,523,036 alleles (0.00092%); highest among the groups gnomAD compares: South Asian, 0.0048%; no homozygotes.

Submissions (3):

PreventionGenetics, part of Exact Sciences
Classification: Uncertain significance for ENG-related condition. Last evaluated: 2024-10-29. Review status: criteria provided, single submitter. Criteria: ACMG Guidelines, 2015. Collection method: clinical testing. Allele origin: germline.
Comment: The ENG c.-58G>A variant is located in the 5' untranslated region. This variant was reported to co-segregated with hereditary haemorrhagic telangiectasia clinical features in a family and was present in 3 symptomatic members (Albiñana et al. 2017. PubMed ID: 28231770). Functional studies of this variant revealed reduced ENG mRNA expression and a three-fold decrease in luciferase activity of this allele compared to wild type (Albiñana et al. 2017. PubMed ID: 28231770). This variant has not been reported in a large population database, indicating this variant is rare. Although we suspect that this variant may be pathogenic, at this time, the clinical significance of this variant is uncertain due to the absence of conclusive functional and genetic evidence.

Ambry Genetics
Classification: Uncertain significance for Cardiovascular phenotype. Last evaluated: 2022-12-29. Review status: criteria provided, single submitter. Criteria: Ambry Variant Classification Scheme 2023. Collection method: clinical testing. Allele origin: germline.
Comment: The c.-58G>A alteration is located in the 5' untranslated region (5' UTR) of the ENG gene. This alteration consists of a G to A substitution 58 nucleotides upstream from the first translated codon. This variant was not reported in population-based cohorts in the Genome Aggregation Database (gnomAD). This variant was identified in a proband with epistaxis, telangiectasias, and liver arteriovenous malformations as well as two relatives with epistaxis and telangiectasias; it was absent in two asymptomatic relatives from this hereditary hemorrhagic telangiectasia (HHT) family (Albi&ntilde;ana, 2017). This nucleotide position is highly conserved in available vertebrate species. In endothelial HMEC-1 cells, ENG promoter harboring c.-58G>A had luciferase activity a third of wild type activity in the absence of TGF&beta;-1 and a half of wild type activity in the presence of TGF&beta;-1; it is unclear if the observed impact is sufficient to cause HHT (Albi&ntilde;ana, 2017). In addition, quantitative RT-PCR in activated monocytes from an individual with HHT demonstrated reduced ENG and ACVRL1 expression compared to an asymptomatic relative (Albi&ntilde;ana, 2017). Based on insufficient or conflicting evidence, the clinical significance of this alteration remains unclear.

Labcorp Genetics (formerly Invitae), Labcorp
Classification: Likely pathogenic for Hereditary hemorrhagic telangiectasia. Last evaluated: 2022-07-23. Review status: criteria provided, single submitter. Criteria: Invitae Variant Classification Sherloc (09022015). Collection method: clinical testing. Allele origin: germline.
Comment: In summary, the currently available evidence indicates that the variant is pathogenic, but additional data are needed to prove that conclusively. Therefore, this variant has been classified as Likely Pathogenic. Studies have shown that this variant alters ENG gene expression (PMID: 28231770). This variant has been observed in individual(s) with hereditary hemorrhagic telangiectasia (PMID: 28231770). It has also been observed to segregate with disease in related individuals. This variant is not present in population databases (gnomAD no frequency). This variant occurs in a non-coding region of the ENG gene. It does not change the encoded amino acid sequence of the ENG protein.

Literature cited by the submitters: PubMed 28231770 (cited by Ambry Genetics and Labcorp Genetics (formerly Invitae), Labcorp).

NM_001114753.3(ENG):c.-58G>A

Gene: ENG (endoglin; minus strand). Cytogenetic location: 9q34.11.
Variant type: single nucleotide variant.
Coding change: c.-58G>A on transcript NM_001114753.3 (MANE Select); 58 bases upstream of the start codon, G replaced by A.
Molecular consequence: 5 prime UTR variant.
Genome position (GRCh38, 1-based): chr9:127,854,413, C>T on the plus strand (G>A on the coding strand, the complement: ENG is on the minus strand). VCF-style: chr9-127854413-C-T. GRCh37 (hg19) VCF-style: chr9-130616692-C-T.
Other names: c.-58G>A (NM_000118.4, NM_001406715.1).
Identifiers: ClinVar variation 2050681 (VCV002050681.6), dbSNP rs971268057, ClinGen allele CA200326757.